The following is an entry in ClinVar:

NM_015015.3(KDM4B):c.1115+976G>C

Gene: KDM4B (lysine demethylase 4B; plus strand). Cytogenetic location: 19p13.3.
Variant type: single nucleotide variant.
Coding change: c.1115+976G>C on transcript NM_015015.3 (MANE Select); 976 bases into the intron after coding-DNA position 1115, G replaced by C.
Molecular consequence: intron variant. On other transcripts: synonymous variant (1), missense variant (1).
Genome position (GRCh38, 1-based): chr19:5,111,794, G>C. VCF-style: chr19-5111794-G-C. GRCh37 (hg19) VCF-style: chr19-5111805-G-C.
Other names: c.1305G>C, p.Ser435= (NM_001370093.1); c.1135G>C, p.Asp379His (NM_001370094.1); c.1115+976G>C (NM_001411148.1); short protein forms D379H.
Identifiers: ClinVar variation 4872588 (VCV004872588.2).

ClinVar aggregate classification (germline): Likely benign (1 of 4 stars; one submission).

gnomAD v4.1: 16 of 765,136 alleles (0.0021%); highest among the groups gnomAD compares: Admixed American, 0.015%; no homozygotes.

Submission:

CeGaT Center for Human Genetics Tuebingen
Classification: Likely benign. Last evaluated: 2026-06-01. Review status: criteria provided, single submitter. Criteria: CeGaT Center For Human Genetics Tuebingen Variant Classification Criteria Version 2. Collection method: clinical testing. Allele origin: germline. Affected: yes. Observed: 1 variant allele.
Comment: KDM4B: BP4, BP7